The following is an entry in ClinVar:

NM_032387.5(WNK4):c.920A>C (p.Asn307Thr)

Genes: WNK4 (WNK lysine deficient protein kinase 4; plus strand), LOC126862568 (CDK7 strongly-dependent group 2 enhancer GRCh37_chr17:40934948-40936147; plus strand). Cytogenetic location: 17q21.2.
Variant type: single nucleotide variant.
Coding change: c.920A>C on transcript NM_032387.5 (MANE Select); coding-DNA position 920, A replaced by C.
Protein change: p.Asn307Thr; replaces asparagine 307 with threonine.
Molecular consequence: missense variant. On other transcripts: initiator codon variant (1).
Genome position (GRCh38, 1-based): chr17:42,784,065, A>C. VCF-style: chr17-42784065-A-C. GRCh37 (hg19) VCF-style: chr17-40936083-A-C.
Other names: c.1A>C, p.Met1Leu (NM_001321299.2); short protein forms M1L, N307T.
Identifiers: ClinVar variation 2834835 (VCV002834835.3), dbSNP rs759056532, ClinGen allele CA399649984.

ClinVar aggregate classification (germline): Uncertain significance (1 of 4 stars; one submission).

Submission:

Labcorp Genetics (formerly Invitae), Labcorp
Classification: Uncertain significance. Last evaluated: 2023-09-08. Review status: criteria provided, single submitter. Criteria: Invitae Variant Classification Sherloc (09022015). Collection method: clinical testing. Allele origin: germline.
Comment: This sequence change replaces asparagine, which is neutral and polar, with threonine, which is neutral and polar, at codon 307 of the WNK4 protein (p.Asn307Thr). This variant is not present in population databases (gnomAD no frequency). This variant has not been reported in the literature in individuals affected with WNK4-related conditions. Advanced modeling of protein sequence and biophysical properties (such as structural, functional, and spatial information, amino acid conservation, physicochemical variation, residue mobility, and thermodynamic stability) performed at Invitae indicates that this missense variant is expected to disrupt WNK4 protein function. In summary, the available evidence is currently insufficient to determine the role of this variant in disease. Therefore, it has been classified as a Variant of Uncertain Significance.